The following is an entry in ClinVar:

ClinVar aggregate classification (germline): Uncertain significance. Review status: criteria provided, multiple submitters, no conflicts (2 of 4 stars). 2 submissions from 2 submitters: Uncertain significance (2). Last evaluated 2024-11-27.

Allele frequency attached by ClinVar (database versions not stated): gnomAD exomes below 0.00001; gnomAD 0.00002.
gnomAD v4.1: 4 of 1,083,498 alleles (0.00037%); highest among the groups gnomAD compares: Admixed American, 0.021%; no homozygotes.

Submissions (2):

Labcorp Genetics (formerly Invitae), Labcorp
Classification: Uncertain significance. Last evaluated: 2024-11-27. Review status: criteria provided, single submitter. Criteria: Invitae Variant Classification Sherloc (09022015). Collection method: clinical testing. Allele origin: germline.
Comment: This sequence change replaces glutamic acid, which is acidic and polar, with aspartic acid, which is acidic and polar, at codon 39 of the NR2F1 protein (p.Glu39Asp). The frequency data for this variant in the population databases is considered unreliable, as metrics indicate insufficient coverage at this position in the gnomAD database. This variant has not been reported in the literature in individuals affected with NR2F1-related conditions. ClinVar contains an entry for this variant (Variation ID: 1959901). Invitae Evidence Modeling of protein sequence and biophysical properties (such as structural, functional, and spatial information, amino acid conservation, physicochemical variation, residue mobility, and thermodynamic stability) indicates that this missense variant is not expected to disrupt NR2F1 protein function with a negative predictive value of 95%. In summary, the available evidence is currently insufficient to determine the role of this variant in disease. Therefore, it has been classified as a Variant of Uncertain Significance.

Blueprint Genetics
Classification: Uncertain significance. Last evaluated: 2021-02-11. Review status: criteria provided, single submitter. Criteria: ACMG Guidelines, 2015. Collection method: clinical testing. Allele origin: germline.

NM_005654.6(NR2F1):c.117G>C (p.Glu39Asp)

Genes: NR2F1 (nuclear receptor subfamily 2 group F member 1; plus strand), NR2F1-AS1 (NR2F1 regulatory antisense RNA 1; minus strand). Cytogenetic location: 5q15.
Variant type: single nucleotide variant.
Coding change: c.117G>C on transcript NM_005654.6 (MANE Select); coding-DNA position 117, G replaced by C.
Protein change: p.Glu39Asp; replaces glutamic acid 39 with aspartic acid.
Molecular consequence: missense variant.
Genome position (GRCh38, 1-based): chr5:93,585,140, G>C. VCF-style: chr5-93585140-G-C. GRCh37 (hg19) VCF-style: chr5-92920846-G-C.
Other names: short protein forms E39D.
Identifiers: ClinVar variation 1959901 (VCV001959901.6), dbSNP rs1753206859, ClinGen allele CA360525558.
Genomic context (GRCh38, chr5:93,585,140, plus strand): 5'-CCCCGGCGGCCCCAACCCCGCAGCGCAGGCGGCCCGCGGCGGCGGCGGCGGCGCCGGCGA[G>C]CAGCAGCAGCAGGCGGGCTCGGGCGCGCCGCACACGCCGCAGACCCCGGGCCAGCCCGGA-3'
Protein context (NP_005645.1, residues 29-49): AARGGGGGAG[Glu39Asp]QQQQAGSGAP